The following is an entry in ClinVar:

NM_000298.6(PKLR):c.403C>T (p.Arg135Trp)

Gene: PKLR (pyruvate kinase L/R; minus strand). Cytogenetic location: 1q22.
Variant type: single nucleotide variant.
Coding change: c.403C>T on transcript NM_000298.6 (MANE Select); coding-DNA position 403, C replaced by T.
Protein change: p.Arg135Trp; replaces arginine 135 with tryptophan.
Molecular consequence: missense variant.
Genome position (GRCh38, 1-based): chr1:155,295,541, G>A on the plus strand (C>T on the coding strand, the complement: PKLR is on the minus strand). VCF-style: chr1-155295541-G-A. GRCh37 (hg19) VCF-style: chr1-155265332-G-A.
Other names: c.310C>T, p.Arg104Trp (NM_181871.4); short protein forms R104W, R135W.
Identifiers: ClinVar variation 2202855 (VCV002202855.4), dbSNP rs770175821, ClinGen allele CA342755819.

ClinVar aggregate classification (germline): Uncertain significance (1 of 4 stars; one submission).

gnomAD v4.1: 2 of 1,613,764 alleles (0.00012%); highest among the groups gnomAD compares: Non-Finnish European, 0.00017%; no homozygotes.

Submission:

Labcorp Genetics (formerly Invitae), Labcorp
Classification: Uncertain significance. Last evaluated: 2022-08-24. Review status: criteria provided, single submitter. Criteria: Invitae Variant Classification Sherloc (09022015). Collection method: clinical testing. Allele origin: germline.
Comment: This sequence change replaces arginine, which is basic and polar, with tryptophan, which is neutral and slightly polar, at codon 135 of the PKLR protein (p.Arg135Trp). This variant is not present in population databases (gnomAD no frequency). In summary, the available evidence is currently insufficient to determine the role of this variant in disease. Therefore, it has been classified as a Variant of Uncertain Significance. This missense change has been observed in individual(s) with pyruvate kinase deficiency (PMID: 15953013). Algorithms developed to predict the effect of missense changes on protein structure and function are either unavailable or do not agree on the potential impact of this missense change (SIFT: "Deleterious"; PolyPhen-2: "Probably Damaging"; Align-GVGD: "Class C0").

Literature cited by the submitters: PubMed 15953013.